The following is an entry in ClinVar:

NM_017654.4(SAMD9):c.4744C>T (p.Leu1582Phe)

Gene: SAMD9 (sterile alpha motif domain containing 9; minus strand). Cytogenetic location: 7q21.2.
Variant type: single nucleotide variant.
Coding change: c.4744C>T on transcript NM_017654.4 (MANE Select); coding-DNA position 4744, C replaced by T.
Protein change: p.Leu1582Phe; replaces leucine 1582 with phenylalanine.
Molecular consequence: missense variant.
Genome position (GRCh38, 1-based): chr7:93,101,354, G>A on the plus strand (C>T on the coding strand, the complement: SAMD9 is on the minus strand). VCF-style: chr7-93101354-G-A. GRCh37 (hg19) VCF-style: chr7-92730667-G-A.
Other names: c.4744C>T, p.Leu1582Phe (NM_001193307.2); short protein forms L1582F.
Identifiers: ClinVar variation 4629925 (VCV004629925.1).

ClinVar aggregate classification (germline): Uncertain significance (1 of 4 stars; one submission).

Conditions:
Inborn genetic diseases. Identifiers: MedGen C0950123, MeSH D030342.

Submission:

Ambry Genetics
Classification: Uncertain significance for Inborn genetic diseases. Last evaluated: 2025-11-04. Review status: criteria provided, single submitter. Criteria: Ambry Variant Classification Scheme 2023. Collection method: clinical testing. Allele origin: germline.
Comment: The p.L1582F variant (also known as c.4744C>T), located in coding exon 1 of the SAMD9 gene, results from a C to T substitution at nucleotide position 4744. The leucine at codon 1582 is replaced by phenylalanine, an amino acid with highly similar properties. This amino acid position is conserved. In addition, this alteration is predicted to be tolerated by in silico analysis. Based on the available evidence, the clinical significance of this variant remains unclear.